The following is an entry in ClinVar:

ClinVar aggregate classification (germline): Likely pathogenic. Review status: criteria provided, multiple submitters, no conflicts (2 of 4 stars). 2 submissions from 2 submitters: Likely pathogenic (2). Last evaluated 2024-12-26.

Conditions:
Autosomal recessive limb-girdle muscular dystrophy type 2B (LGMDR2). Also called: MUSCULAR DYSTROPHY, LIMB-GIRDLE, TYPE 3; Limb-girdle muscular dystrophy, type 2B; MUSCULAR DYSTROPHY, LIMB-GIRDLE, AUTOSOMAL RECESSIVE 2; Limb-Girdle Muscular Dystrophy Type 2B (LGMD2B). Identifiers: Orphanet 268, MedGen C1850889, MONDO:0009676, OMIM 253601.
Miyoshi muscular dystrophy 1 (MMD1). Identifiers: Orphanet 45448, MedGen C4551973, MONDO:0024545, OMIM 254130.

Submissions (2):

Natera, Inc.
Classification: Likely pathogenic for Limb-girdle muscular dystrophy type 2B. Last evaluated: 2024-12-26. Review status: criteria provided, single submitter. Criteria: Natera Variant Classification Schema (03/2026). Collection method: clinical testing. Allele origin: germline.
Comment: The c.2256dup variant in DYSF is a frameshift variant predicted to shift the reading frame and introduce a stop codon. This variant is expected to result in nonsense mediated decay, truncation, or a dysfunctional protein product. This variant is rare in the general population with a frequency below the threshold expected for the associated phenotype(s). Given the available evidence, this variant is classified as Likely Pathogenic.

Baylor Genetics
Classification: Likely pathogenic for Miyoshi muscular dystrophy 1. Last evaluated: 2023-03-13. Review status: criteria provided, single submitter. Criteria: ACMG Guidelines, 2015. Collection method: clinical testing. Allele origin: unknown.

NM_001130987.2(DYSF):c.2310dup (p.Glu771Ter)

Gene: DYSF (dysferlin; plus strand). Cytogenetic location: 2p13.2.
Variant type: Duplication.
Coding change: c.2310dup on transcript NM_001130987.2 (MANE Select); coding-DNA position 2310, one base duplicated (T; older notation c.2310dupT).
Protein change: p.Glu771Ter; replaces glutamic acid 771 with a stop codon.
Molecular consequence: nonsense.
Genome position (GRCh38, 1-based): chr2:71,561,845, T duplicated. VCF-style (leftmost placement, unchanged base first): chr2-71561844-C-CT. GRCh37 (hg19) VCF-style: chr2-71788974-C-CT.
Other names: c.2259dup, p.Glu754Ter (NM_001130455.2, NM_001130983.2); c.2214dup, p.Glu739Ter (NM_001130976.2, NM_001130977.2); c.2256dup, p.Glu753Ter (NM_001130978.2, NM_003494.4); c.2349dup, p.Glu784Ter (NM_001130979.2); c.2307dup, p.Glu770Ter (NM_001130980.2, NM_001130981.2); c.2352dup, p.Glu785Ter (NM_001130982.2); c.2217dup, p.Glu740Ter (NM_001130984.2, NM_001130986.2); c.2310dup, p.Glu771Ter (NM_001130985.2); and 1 more; short protein forms E739*, E740*, E753*, E754*, E770*, E771*, E784*, E785*.
Identifiers: ClinVar variation 2674989 (VCV002674989.2), dbSNP rs2545753329, ClinGen allele CA2577000160.